The following is an entry in ClinVar:

ClinVar aggregate classification (germline): Benign. Review status: criteria provided, multiple submitters, no conflicts (2 of 4 stars). 2 submissions from 2 submitters: Benign (2). Last evaluated 2018-06-23.

Conditions:
Epilepsy, idiopathic generalized, susceptibility to, 13. Also called: EPILEPSY, JUVENILE MYOCLONIC, SUSCEPTIBILITY TO, 5. Identifiers: Orphanet 307, Orphanet 64280, MedGen C4013473, MONDO:0012627, OMIM 611136.

Allele frequency attached by ClinVar (database versions not stated): gnomAD exomes 0.16667; 1000 Genomes Project 30x 0.17208; TOPMed 0.17304; 1000 Genomes Project 0.17951; gnomAD 0.18269 and 0.18507.
gnomAD v4.1: 28,357 of 151,944 alleles (19%); highest among the groups gnomAD compares: Middle Eastern, 29%; 3,307 homozygotes.

Submissions (2):

GeneDx
Classification: Benign. Last evaluated: 2018-06-23. Review status: criteria provided, single submitter. Criteria: GeneDx Variant Classification Process June 2021. Collection method: clinical testing. Allele origin: germline. Affected: yes.

Illumina Laboratory Services, Illumina
Classification: Benign for Epilepsy, idiopathic generalized, susceptibility to, 13. Last evaluated: 2018-01-13. Review status: criteria provided, single submitter. Criteria: ICSL Variant Classification Criteria 13 December 2019. Collection method: clinical testing. Allele origin: germline.
Comment: This variant was observed in the ICSL laboratory as part of a predisposition screen in an ostensibly healthy population. It had not been previously curated by ICSL or reported in the Human Gene Mutation Database (HGMD: prior to June 1st, 2018), and was therefore a candidate for classification through an automated scoring system. Utilizing variant allele frequency, disease prevalence and penetrance estimates, and inheritance mode, an automated score was calculated to assess if this variant is too frequent to cause the disease. Based on the score and internal cut-off values, a variant classified as benign is not then subjected to further curation. The score for this variant resulted in a classification of benign for this disease.

NM_001127644.2(GABRA1):c.-142A>G

Gene: GABRA1 (gamma-aminobutyric acid type A receptor subunit alpha1; plus strand). Cytogenetic location: 5q34.
Variant type: single nucleotide variant.
Coding change: c.-142A>G on transcript NM_001127644.2 (MANE Select); 142 bases upstream of the start codon, A replaced by G.
Molecular consequence: 5 prime UTR variant.
Genome position (GRCh38, 1-based): chr5:161,848,296, A>G. VCF-style: chr5-161848296-A-G. GRCh37 (hg19) VCF-style: chr5-161275302-A-G.
Other names: c.-142A>G (NM_000806.5, NM_001127643.2).
Identifiers: ClinVar variation 352592 (VCV000352592.8), dbSNP rs12658835, ClinGen allele CA10619902.